The following is an entry in ClinVar:

NM_006031.6(PCNT):c.5492C>T (p.Ala1831Val)

Gene: PCNT (pericentrin; plus strand). Cytogenetic location: 21q22.3.
Variant type: single nucleotide variant.
Coding change: c.5492C>T on transcript NM_006031.6 (MANE Select); coding-DNA position 5492, C replaced by T.
Protein change: p.Ala1831Val; replaces alanine 1831 with valine.
Molecular consequence: missense variant.
Genome position (GRCh38, 1-based): chr21:46,411,565, C>T. VCF-style: chr21-46411565-C-T. GRCh37 (hg19) VCF-style: chr21-47831479-C-T.
Other names: c.5138C>T, p.Ala1713Val (NM_001315529.2); c.5492C>T (NM_006031.5); short protein forms A1713V, A1831V.
Identifiers: ClinVar variation 1403339 (VCV001403339.8), dbSNP rs761263896, ClinGen allele CA10079998.
Genomic context (GRCh38, chr21:46,411,565, plus strand): 5'-GCAGGCACAGCCAGGCCCTGGAGGCCCTGCAGCAGCGCCTCCAGGGCGCAGAGGAGGCTG[C>T]GGAGCTACAGCTGGCTGAGCTGGAGCGCAATGTAGCCCTCAGGGAGGCTGAGGTCGAAGA-3'
Protein context (NP_006022.3, residues 1821-1841): QQRLQGAEEA[Ala1831Val]ELQLAELERN

ClinVar aggregate classification (germline): Uncertain significance. Review status: criteria provided, multiple submitters, no conflicts (2 of 4 stars). 4 submissions from 4 submitters: Uncertain significance (4). Last evaluated 2025-10-22.

Conditions:
Inborn genetic diseases. Identifiers: MedGen C0950123, MeSH D030342.
PCNT-related disorder. Also called: PCNT-related condition.

Allele frequency attached by ClinVar (database versions not stated): gnomAD 0.00003; TOPMed 0.00003.
gnomAD v4.1: 114 of 1,612,362 alleles (0.0071%); highest among the groups gnomAD compares: Admixed American, 0.027%; no homozygotes.

Submissions (4):

PreventionGenetics, part of Exact Sciences
Classification: Uncertain significance for PCNT-related condition. Last evaluated: 2025-10-22. Review status: criteria provided, single submitter. Criteria: ACMG Guidelines, 2015. Collection method: clinical testing. Allele origin: germline.
Comment: The PCNT c.5492C>T variant is predicted to result in the amino acid substitution p.Ala1831Val. To our knowledge, this variant has not been reported in the literature. This variant is reported in 0.045% of alleles in individuals of Latino descent in gnomAD. At this time, the clinical significance of this variant is uncertain due to the absence of conclusive functional and genetic evidence.

Ambry Genetics
Classification: Uncertain significance for Inborn genetic diseases. Last evaluated: 2023-10-05. Review status: criteria provided, single submitter. Criteria: Ambry Variant Classification Scheme 2023. Collection method: clinical testing. Allele origin: germline.

Labcorp Genetics (formerly Invitae), Labcorp
Classification: Uncertain significance. Last evaluated: 2022-08-09. Review status: criteria provided, single submitter. Criteria: Invitae Variant Classification Sherloc (09022015). Collection method: clinical testing. Allele origin: germline.
Comment: This sequence change replaces alanine, which is neutral and non-polar, with valine, which is neutral and non-polar, at codon 1831 of the PCNT protein (p.Ala1831Val). This variant is present in population databases (rs761263896, gnomAD 0.04%). This variant has not been reported in the literature in individuals affected with PCNT-related conditions. ClinVar contains an entry for this variant (Variation ID: 1403339). Algorithms developed to predict the effect of missense changes on protein structure and function are either unavailable or do not agree on the potential impact of this missense change (SIFT: "Tolerated"; PolyPhen-2: "Possibly Damaging"; Align-GVGD: "Class C0"). In summary, the available evidence is currently insufficient to determine the role of this variant in disease. Therefore, it has been classified as a Variant of Uncertain Significance.

Breakthrough Genomics
Classification: Uncertain significance. Review status: criteria provided, single submitter. Criteria: ACMG Guidelines, 2015. Collection method: not provided. Allele origin: germline. Inheritance: Autosomal dominant inheritance. Affected: yes.